The following is an entry in ClinVar:

NM_206933.4(USH2A):c.2009G>T (p.Gly670Val)

Gene: USH2A (usherin; minus strand). Cytogenetic location: 1q41.
Variant type: single nucleotide variant.
Coding change: c.2009G>T on transcript NM_206933.4 (MANE Select); coding-DNA position 2009, G replaced by T.
Protein change: p.Gly670Val; replaces glycine 670 with valine.
Molecular consequence: missense variant.
Genome position (GRCh38, 1-based): chr1:216,251,061, C>A on the plus strand (G>T on the coding strand, the complement: USH2A is on the minus strand). VCF-style: chr1-216251061-C-A. GRCh37 (hg19) VCF-style: chr1-216424403-C-A.
Other names: c.2009G>T, p.Gly670Val (NM_007123.6); short protein forms G670V.
Identifiers: ClinVar variation 4527165 (VCV004527165.1).

ClinVar aggregate classification (germline): Uncertain significance (1 of 4 stars; one submission).

gnomAD v4.1: 10 of 1,613,888 alleles (0.00062%); highest among the groups gnomAD compares: Non-Finnish European, 0.00085%; no homozygotes.

Submission:

GeneDx
Classification: Uncertain significance. Last evaluated: 2025-04-21. Review status: criteria provided, single submitter. Criteria: GeneDx Variant Classification Process June 2021. Collection method: clinical testing. Allele origin: germline. Affected: yes.
Comment: Not observed at significant frequency in large population cohorts (gnomAD); In silico analysis supports that this missense variant has a deleterious effect on protein structure/function; Has not been previously published as pathogenic or benign to our knowledge